The following is an entry in ClinVar:

ClinVar aggregate classification (germline): Likely benign. Review status: criteria provided, multiple submitters, no conflicts (2 of 4 stars). 4 submissions from 4 submitters: Likely benign (4). Last evaluated 2025-01-30.

Conditions:
Cardiovascular phenotype. Identifiers: MedGen CN230736.

Allele frequency attached by ClinVar (database versions not stated): gnomAD 0.00003; TOPMed 0.00003.
gnomAD v4.1: 14 of 1,550,072 alleles (0.0009%); highest among the groups gnomAD compares: Admixed American, 0.0039%; no homozygotes.

Submissions (4):

Mayo Clinic Laboratories, Mayo Clinic
Classification: Likely benign. Last evaluated: 2025-01-30. Review status: criteria provided, single submitter. Criteria: ACMG Guidelines, 2015. Collection method: clinical testing. Allele origin: germline. Observed: 1 variant allele.
Comment: BP4, BP7, PM2_supporting

Ambry Genetics
Classification: Likely benign for Cardiovascular phenotype. Last evaluated: 2024-12-31. Review status: criteria provided, single submitter. Criteria: Ambry Variant Classification Scheme 2023. Collection method: clinical testing. Allele origin: germline.

Women's Health and Genetics/Laboratory Corporation of America, LabCorp
Classification: Likely benign. Last evaluated: 2024-12-26. Review status: criteria provided, single submitter. Criteria: LabCorp Variant Classification Summary - May 2015. Collection method: clinical testing. Allele origin: germline.

Labcorp Genetics (formerly Invitae), Labcorp
Classification: Likely benign. Last evaluated: 2024-11-07. Review status: criteria provided, single submitter. Criteria: Invitae Variant Classification Sherloc (09022015). Collection method: clinical testing. Allele origin: germline.

NM_001367624.2(ZNF469):c.10854C>T (p.Leu3618=)

Gene: ZNF469 (zinc finger protein 469; plus strand). Cytogenetic location: 16q24.2.
Variant type: single nucleotide variant.
Coding change: c.10854C>T on transcript NM_001367624.2 (MANE Select); coding-DNA position 10854, C replaced by T.
Protein change: p.Leu3618=; no amino-acid change (leucine 3618 retained).
Molecular consequence: synonymous variant.
Genome position (GRCh38, 1-based): chr16:88,438,324, C>T. VCF-style: chr16-88438324-C-T. GRCh37 (hg19) VCF-style: chr16-88504732-C-T.
Other names: NM_001127464.1:c.10770C>T; p.Leu3618=.
Identifiers: ClinVar variation 1594872 (VCV001594872.11), dbSNP rs890693959, ClinGen allele CA286387337.
Genomic context (GRCh38, chr16:88,438,324, plus strand): 5'-GGCATCTCTGCCGCGGCCGGGAGCCAGAGGCCAAGATGCGGAGGGAAAGAGGGCTCCTCT[C>T]GTGTTCTCAGGGAAACGCAGGGCCCCGGGTGCCCGTGGCAGGTGTGCCCCTGACCATTTC-3'
Protein context (NP_001354553.1, residues 3608-3628): GQDAEGKRAP[Leu3618=]VFSGKRRAPG